The following is an entry in ClinVar:

ClinVar aggregate classification (germline): Likely benign. Review status: criteria provided, multiple submitters, no conflicts (2 of 4 stars). 3 submissions from 3 submitters: Likely benign (2). 1 of the submissions does not count toward it. Last evaluated 2025-11-16.

Conditions:
BMP1-related disorder. Also called: BMP1-related condition.

Allele frequency attached by ClinVar (database versions not stated): gnomAD exomes below 0.00001.
gnomAD v4.1: 1 of 1,614,182 alleles (0.000062%); highest among the groups gnomAD compares: African/African-American, 0.0013%; no homozygotes.

Submissions (3):

Labcorp Genetics (formerly Invitae), Labcorp
Classification: Likely benign. Last evaluated: 2025-11-16. Review status: criteria provided, single submitter. Criteria: Invitae Variant Classification Sherloc (09022015). Collection method: clinical testing. Allele origin: germline.

Blueprint Genetics
Classification: Likely benign. Last evaluated: 2024-10-23. Review status: criteria provided, single submitter. Criteria: ACMG Guidelines, 2015. Collection method: clinical testing. Allele origin: germline.

PreventionGenetics, part of Exact Sciences
Classification: Likely benign for BMP1-related condition. Last evaluated: 2023-08-13. Review status: no assertion criteria provided. Collection method: clinical testing. Allele origin: germline. Not counted in ClinVar's aggregate classification.
Comment: This variant is classified as likely benign based on ACMG/AMP sequence variant interpretation guidelines (Richards et al. 2015 PMID: 25741868, with internal and published modifications).

NM_006129.5(BMP1):c.2911C>T (p.Leu971=)

Gene: BMP1 (bone morphogenetic protein 1; plus strand). Cytogenetic location: 8p21.3.
Variant type: single nucleotide variant.
Coding change: c.2911C>T on transcript NM_006129.5 (MANE Select); coding-DNA position 2911, C replaced by T.
Protein change: p.Leu971=; no amino-acid change (leucine 971 retained).
Molecular consequence: synonymous variant. On other transcripts: non-coding transcript variant (1).
Genome position (GRCh38, 1-based): chr8:22,211,678, C>T. VCF-style: chr8-22211678-C-T. GRCh37 (hg19) VCF-style: chr8-22069191-C-T.
Other names: c.2911C>T (NM_006129.4).
Identifiers: ClinVar variation 2873105 (VCV002873105.6), dbSNP rs1829464329, ClinGen allele CA459893906.
Genomic context (GRCh38, chr8:22,211,678, plus strand): 5'-GGAGATTCTGTCCTGGTGAAGTTCCACTCGGATGACACCATCACCAAAAAAGGTTTCCAC[C>T]TGCGATACACCAGCACCAAGTTCCAGGACACACTCCACAGCAGGAAGTGACCACTGCCTG-3'
Protein context (NP_006120.1, residues 961-981): DDTITKKGFH[Leu971=]RYTSTKFQDT